The following is an entry in ClinVar:

NM_005751.5(AKAP9):c.742A>G (p.Ser248Gly)

Genes: AKAP9 (A-kinase anchoring protein 9; plus strand), LOC129998789 (ATAC-STARR-seq lymphoblastoid silent region 18366; plus strand). Cytogenetic location: 7q21.2.
Variant type: single nucleotide variant.
Coding change: c.742A>G on transcript NM_005751.5 (MANE Select); coding-DNA position 742, A replaced by G.
Protein change: p.Ser248Gly; replaces serine 248 with glycine.
Molecular consequence: missense variant.
Genome position (GRCh38, 1-based): chr7:91,995,612, A>G. VCF-style: chr7-91995612-A-G. GRCh37 (hg19) VCF-style: chr7-91624926-A-G.
Other names: c.742A>G, p.Ser248Gly (NM_147185.3); short protein forms S248G.
Identifiers: ClinVar variation 4033739 (VCV004033739.1).

ClinVar aggregate classification (germline): Uncertain significance (1 of 4 stars; one submission).

Conditions:
Cardiovascular phenotype. Identifiers: MedGen CN230736.

gnomAD v4.1: 2 of 1,613,948 alleles (0.00012%); highest among the groups gnomAD compares: South Asian, 0.0011%; no homozygotes.

Submission:

Ambry Genetics
Classification: Uncertain significance for Cardiovascular phenotype. Last evaluated: 2025-03-31. Review status: criteria provided, single submitter. Criteria: Ambry Variant Classification Scheme 2023. Collection method: clinical testing. Allele origin: germline.
Comment: The p.S248G variant (also known as c.742A>G), located in coding exon 7 of the AKAP9 gene, results from an A to G substitution at nucleotide position 742. The serine at codon 248 is replaced by glycine, an amino acid with similar properties. This amino acid position is conserved. In addition, this alteration is predicted to be tolerated by in silico analysis. Based on the available evidence, the clinical significance of this variant remains unclear.